The following is an entry in ClinVar:

NM_000441.2(SLC26A4):c.1149+3A>G

Gene: SLC26A4 (solute carrier family 26 member 4; plus strand). Cytogenetic location: 7q22.3.
Variant type: single nucleotide variant.
Coding change: c.1149+3A>G on transcript NM_000441.2 (MANE Select); 3 bases into the intron after coding-DNA position 1149, A replaced by G.
Molecular consequence: intron variant.
Genome position (GRCh38, 1-based): chr7:107,689,203, A>G. VCF-style: chr7-107689203-A-G. GRCh37 (hg19) VCF-style: chr7-107329648-A-G.
Identifiers: ClinVar variation 43493 (VCV000043493.18), dbSNP rs111033314, ClinGen allele CA261397.

ClinVar aggregate classification (germline): Pathogenic. Review status: criteria provided, multiple submitters, no conflicts (2 of 4 stars). 8 submissions from 8 submitters: Pathogenic (7). 1 of the submissions does not count toward it. Last evaluated 2025-06-13.

Conditions:
Rare genetic deafness. Identifiers: Orphanet 96210, MedGen C5680250.
SLC26A4-related disorder. Also called: SLC26A4-related condition; SLC26A4-related disorders.
Autosomal recessive nonsyndromic hearing loss 4 (DFNB4). Also called: FOXI1-Related Pendred Syndrome; KCNJ10-Related Pendred Syndrome; Deafness, autosomal recessive 4; DEAFNESS, AUTOSOMAL RECESSIVE 4, WITH ENLARGED VESTIBULAR AQUEDUCT, DIGENIC; NEUROSENSORY NONSYNDROMIC RECESSIVE DEAFNESS 4; Nonsyndromic enlarged vestibular aqueduct (NSEVA). Identifiers: Orphanet 90636, MedGen C3538946, MONDO:0010933, OMIM 600791.
Pendred syndrome (PDS). Also called: DEAFNESS WITH GOITER; GOITER-DEAFNESS SYNDROME; HYPOTHYROIDISM, CONGENITAL, DUE TO DYSHORMONOGENESIS, 2B; THYROID DYSHORMONOGENESIS 2B; THYROID HORMONOGENESIS, GENETIC DEFECT IN, 2B; Pendred's syndrome. Identifiers: Orphanet 705, MedGen C0271829, MONDO:0010134, OMIM 274600.

Allele frequency attached by ClinVar (database versions not stated): TOPMed below 0.00001; gnomAD exomes 0.00001 and 0.00002; ExAC 0.00003.

Submissions (8):

GeneDx
Classification: Pathogenic. Last evaluated: 2025-06-13. Review status: criteria provided, single submitter. Criteria: GeneDx Variant Classification Process June 2021. Collection method: clinical testing. Allele origin: germline. Affected: yes.
Comment: Non-canonical splice site variant in a gene for which loss-of-function is a known mechanism of disease; functional studies confirm variant destroys the splice donor site of intron 9 and causes skipping of exon 9 (PMID: 15679828); This variant is associated with the following publications: (PMID: 24007330, 23469187, 34680964, 25525159, 25488846, 28964290, 15679828, 31033086, 31387071)

Labcorp Genetics (formerly Invitae), Labcorp
Classification: Pathogenic. Last evaluated: 2025-06-09. Review status: criteria provided, single submitter. Criteria: Invitae Variant Classification Sherloc (09022015). Collection method: clinical testing. Allele origin: germline.
Comment: This sequence change falls in intron 9 of the SLC26A4 gene. It does not directly change the encoded amino acid sequence of the SLC26A4 protein. It affects a nucleotide within the consensus splice site. This variant is present in population databases (rs111033314, gnomAD 0.01%). This variant has been observed in individual(s) with SLC26A4-related conditions (PMID: 15679828, 28964290, 31387071, 34680964). ClinVar contains an entry for this variant (Variation ID: 43493). Variants that disrupt the consensus splice site are a relatively common cause of aberrant splicing (PMID: 17576681, 9536098). Algorithms developed to predict the effect of sequence changes on RNA splicing suggest that this variant may disrupt the consensus splice site. For these reasons, this variant has been classified as Pathogenic.

Natera, Inc.
Classification: Pathogenic for Pendred syndrome. Last evaluated: 2024-04-26. Review status: criteria provided, single submitter. Criteria: Natera Variant Classification Schema (03/2026). Collection method: clinical testing. Allele origin: germline.
Comment: The c.1149+3A>G variant in SLC26A4 is an intronic variant located outside the canonical splice sites. This variant is rare in the general population with a frequency below the threshold expected for the associated phenotype(s). This variant has been observed in one or more individuals affected with the associated recessive disease, as either homozygous or compound heterozygous with a second variant (PMID: 15679828, 31387071). Functional studies show that this variant may disrupt protein function (PMID: 15679828). Computational prediction algorithms indicate this variant is likely to affect gene or protein function. Given the available evidence, this variant is classified as Pathogenic.

Blueprint Genetics
Classification: Pathogenic for SLC26A4-related disorders. Last evaluated: 2023-08-02. Review status: criteria provided, single submitter. Criteria: ACMG Guidelines, 2015. Collection method: clinical testing. Allele origin: germline. Affected: yes. Observed: 2 variant alleles.

Baylor Genetics
Classification: Pathogenic for Autosomal recessive nonsyndromic hearing loss 4. Last evaluated: 2023-04-19. Review status: criteria provided, single submitter. Criteria: ACMG Guidelines, 2015. Collection method: clinical testing. Allele origin: unknown.

3billion
Classification: Pathogenic for Autosomal recessive nonsyndromic hearing loss 4. Last evaluated: 2023-02-23. Review status: criteria provided, single submitter. Criteria: ACMG Guidelines, 2015. Collection method: clinical testing. Allele origin: unknown. Affected: yes.
Comment: The variant is observed at an extremely low frequency in the gnomAD v2.1.1 dataset (total allele frequency: 0.002%). The variant has been reported to be in trans with a pathogenic variant as either compound heterozygous or homozygous in at least 4 similarly affected unrelated individuals (PMID: 15679828, 31387071). The variant has been reported to be associated with SLC26A4 related disorder (ClinVar ID: VCV000043493). Therefore, this variant is classified as Pathogenic according to the recommendation of ACMG/AMP guideline.

Fulgent Genetics
Classification: Pathogenic for Pendred syndrome; Autosomal recessive nonsyndromic hearing loss 4. Last evaluated: 2022-03-09. Review status: criteria provided, single submitter. Criteria: ACMG Guidelines, 2015. Collection method: clinical testing. Allele origin: unknown.

Laboratory for Molecular Medicine, Mass General Brigham Personalized Medicine
Classification: Pathogenic for Rare genetic deafness. Last evaluated: 2008-11-11. Review status: no assertion criteria provided. Collection method: clinical testing. Allele origin: germline. Observed: 2 variant alleles. Not counted in ClinVar's aggregate classification.

Literature cited by the submitters: PubMed 15679828 (cited by 4 submitters); PubMed 28964290 (cited by Labcorp Genetics (formerly Invitae), Labcorp); PubMed 31387071 (cited by 3 submitters); PubMed 34680964 (cited by Labcorp Genetics (formerly Invitae), Labcorp); PubMed 17576681 (cited by Labcorp Genetics (formerly Invitae), Labcorp); PubMed 9536098 (cited by Labcorp Genetics (formerly Invitae), Labcorp).